The following is an entry in ClinVar:

NM_004380.3(CREBBP):c.5768G>A (p.Ser1923Asn)

Gene: CREBBP (CREB binding lysine acetyltransferase; minus strand). Cytogenetic location: 16p13.3.
Variant type: single nucleotide variant.
Coding change: c.5768G>A on transcript NM_004380.3 (MANE Select); coding-DNA position 5768, G replaced by A.
Protein change: p.Ser1923Asn; replaces serine 1923 with asparagine.
Molecular consequence: missense variant.
Genome position (GRCh38, 1-based): chr16:3,729,279, C>T on the plus strand (G>A on the coding strand, the complement: CREBBP is on the minus strand). VCF-style: chr16-3729279-C-T. GRCh37 (hg19) VCF-style: chr16-3779280-C-T.
Other names: c.5654G>A, p.Ser1885Asn (NM_001079846.1); short protein forms S1885N, S1923N.
Identifiers: ClinVar variation 3346276 (VCV003346276.1).
Genomic context (GRCh38, chr16:3,729,279, plus strand): 5'-GGCACCTGGCTGGTAGGCTTCCCTGTGGACACCGTGGTGGGGGGCTGAGTCCGGGCCACG[C>T]TGGGGAAGCCAGCTGGTGACATGCTCACGGGTGAGGGTTGGGGCTGGGCAGGGGGCTGCG-3'
Protein context (NP_004371.2, residues 1913-1933): PVSMSPAGFP[Ser1923Asn]VARTQPPTTV

ClinVar aggregate classification (germline): Uncertain significance (0 of 4 stars; one submission).

Conditions:
CREBBP-related disorder. Also called: CREBBP-related condition; CREBBP-related disorders.

gnomAD v4.1: 1 of 1,533,574 alleles (0.000065%); highest among the groups gnomAD compares: Admixed American, 0.002%; no homozygotes.

Submission:

PreventionGenetics, part of Exact Sciences
Classification: Uncertain significance for CREBBP-related condition. Last evaluated: 2024-08-23. Review status: no assertion criteria provided. Collection method: clinical testing. Allele origin: germline.
Comment: The CREBBP c.5768G>A variant is predicted to result in the amino acid substitution p.Ser1923Asn. To our knowledge, this variant has not been reported in the literature or in a large population database, indicating this variant is rare. At this time, the clinical significance of this variant is uncertain due to the absence of conclusive functional and genetic evidence.